The following is an entry in ClinVar:

ClinVar aggregate classification (germline): Pathogenic (1 of 4 stars; one submission).

Submission:

Labcorp Genetics (formerly Invitae), Labcorp
Classification: Pathogenic. Last evaluated: 2021-12-25. Review status: criteria provided, single submitter. Criteria: Invitae Variant Classification Sherloc (09022015). Collection method: clinical testing. Allele origin: germline.
Comment: For these reasons, this variant has been classified as Pathogenic. This variant has not been reported in the literature in individuals affected with ABCA4-related conditions. This variant is not present in population databases (gnomAD no frequency). This sequence change creates a premature translational stop signal (p.Thr1944Profs*30) in the ABCA4 gene. It is expected to result in an absent or disrupted protein product. Loss-of-function variants in ABCA4 are known to be pathogenic (PMID: 10958761, 24938718, 25312043, 26780318).

Literature cited by the submitters: PubMed 10958761; PubMed 24938718; PubMed 25312043; PubMed 26780318.

NM_000350.3(ABCA4):c.5830del (p.Thr1944fs)

Gene: ABCA4 (ATP binding cassette subfamily A member 4; minus strand). Cytogenetic location: 1p22.1.
Variant type: Deletion.
Coding change: c.5830del on transcript NM_000350.3 (MANE Select); coding-DNA position 5830, one base deleted (A; older notation c.5830delA).
Protein change: p.Thr1944fs; shifts the reading frame from threonine 1944.
Molecular consequence: frameshift variant.
Genome position (GRCh38, 1-based): chr1:94,008,756, T deleted on the plus strand (A on the coding strand, the reverse complement: ABCA4 is on the minus strand); the first of 2 consecutive T bases (chr1:94,008,756-94,008,757); deleting either gives the same sequence. VCF-style (leftmost placement, unchanged base first): chr1-94008755-GT-G. GRCh37 (hg19) VCF-style: chr1-94474311-GT-G.
Other names: c.5607delA, p.Thr1870Profs (NM_001425324.1); short protein forms T1944fs.
Identifiers: ClinVar variation 2061134 (VCV002061134.4), dbSNP rs2523648659, ClinGen allele CA2580063463.